The following is an entry in ClinVar:

ClinVar aggregate classification (germline): Uncertain significance. Review status: criteria provided, multiple submitters, no conflicts (2 of 4 stars). 2 submissions from 2 submitters: Uncertain significance (2). Last evaluated 2024-07-03.

Conditions:
Inborn genetic diseases. Identifiers: MedGen C0950123, MeSH D030342.

Allele frequency attached by ClinVar (database versions not stated): gnomAD exomes below 0.00001; ExAC 0.00001; TOPMed 0.00002; gnomAD 0.00003; ESP Exome Variant Server 0.00008.
gnomAD v4.1: 7 of 1,614,148 alleles (0.00043%); highest among the groups gnomAD compares: African/African-American, 0.008%; no homozygotes.

Submissions (2):

Ambry Genetics
Classification: Uncertain significance for Inborn genetic diseases. Last evaluated: 2024-07-03. Review status: criteria provided, single submitter. Criteria: Ambry Variant Classification Scheme 2023. Collection method: clinical testing. Allele origin: germline.
Comment: The p.P78S variant (also known as c.232C>T), located in coding exon 4 of the ERCC2 gene, results from a C to T substitution at nucleotide position 232. The proline at codon 78 is replaced by serine, an amino acid with similar properties. This amino acid position is conserved. In addition, the in silico prediction for this alteration is inconclusive. Since supporting evidence is limited at this time, the clinical significance of this alteration remains unclear.

Labcorp Genetics (formerly Invitae), Labcorp
Classification: Uncertain significance. Last evaluated: 2022-03-27. Review status: criteria provided, single submitter. Criteria: Invitae Variant Classification Sherloc (09022015). Collection method: clinical testing. Allele origin: germline.
Comment: This sequence change replaces proline, which is neutral and non-polar, with serine, which is neutral and polar, at codon 78 of the ERCC2 protein (p.Pro78Ser). This variant is present in population databases (rs373292179, gnomAD 0.01%). This variant has not been reported in the literature in individuals affected with ERCC2-related conditions. Algorithms developed to predict the effect of missense changes on protein structure and function (SIFT, PolyPhen-2, Align-GVGD) all suggest that this variant is likely to be tolerated. In summary, the available evidence is currently insufficient to determine the role of this variant in disease. Therefore, it has been classified as a Variant of Uncertain Significance.

NM_000400.4(ERCC2):c.232C>T (p.Pro78Ser)

Gene: ERCC2 (ERCC excision repair 2, TFIIH core complex helicase subunit; minus strand). Cytogenetic location: 19q13.32.
Variant type: single nucleotide variant.
Coding change: c.232C>T on transcript NM_000400.4 (MANE Select); coding-DNA position 232, C replaced by T.
Protein change: p.Pro78Ser; replaces proline 78 with serine.
Molecular consequence: missense variant.
Genome position (GRCh38, 1-based): chr19:45,368,944, G>A on the plus strand (C>T on the coding strand, the complement: ERCC2 is on the minus strand). VCF-style: chr19-45368944-G-A. GRCh37 (hg19) VCF-style: chr19-45872202-G-A.
Other names: c.160C>T, p.Pro54Ser (NM_001130867.2); short protein forms P54S, P78S.
Identifiers: ClinVar variation 1789698 (VCV001789698.5), dbSNP rs373292179, ClinGen allele CA9513867.